The following is an entry in ClinVar:

ClinVar aggregate classification (germline): Uncertain significance. Review status: criteria provided, multiple submitters, no conflicts (2 of 4 stars). 2 submissions from 2 submitters: Uncertain significance (2). Last evaluated 2022-07-11.

Conditions:
Early-infantile DEE. Also called: Early infantile epileptic encephalopathy; Ohtahara syndrome; Early infantile epileptic encephalopathy with suppression bursts. Identifiers: Orphanet 1934, MedGen C0393706, MONDO:0800491.
Inborn genetic diseases. Identifiers: MedGen C0950123, MeSH D030342.

Allele frequency attached by ClinVar (database versions not stated): gnomAD exomes below 0.00001; gnomAD 0.00002; TOPMed 0.00002.
gnomAD v4.1: 7 of 1,613,992 alleles (0.00043%); highest among the groups gnomAD compares: African/African-American, 0.0053%; no homozygotes.

Submissions (2):

Labcorp Genetics (formerly Invitae), Labcorp
Classification: Uncertain significance for Early-infantile DEE. Last evaluated: 2022-07-11. Review status: criteria provided, single submitter. Criteria: Invitae Variant Classification Sherloc (09022015). Collection method: clinical testing. Allele origin: germline.
Comment: This sequence change replaces phenylalanine, which is neutral and non-polar, with leucine, which is neutral and non-polar, at codon 144 of the CACNA2D2 protein (p.Phe144Leu). This variant is not present in population databases (gnomAD no frequency). This variant has not been reported in the literature in individuals affected with CACNA2D2-related conditions. ClinVar contains an entry for this variant (Variation ID: 957777). Algorithms developed to predict the effect of missense changes on protein structure and function are either unavailable or do not agree on the potential impact of this missense change (SIFT: "Deleterious"; PolyPhen-2: "Benign"; Align-GVGD: "Class C0"). In summary, the available evidence is currently insufficient to determine the role of this variant in disease. Therefore, it has been classified as a Variant of Uncertain Significance.

Ambry Genetics
Classification: Uncertain significance for Inborn genetic diseases. Last evaluated: 2021-09-16. Review status: criteria provided, single submitter. Criteria: Ambry Variant Classification Scheme 2023. Collection method: clinical testing. Allele origin: germline.

NM_006030.4(CACNA2D2):c.432C>G (p.Phe144Leu)

Gene: CACNA2D2 (calcium voltage-gated channel auxiliary subunit alpha2delta 2; minus strand). Cytogenetic location: 3p21.31.
Variant type: single nucleotide variant.
Coding change: c.432C>G on transcript NM_006030.4 (MANE Select); coding-DNA position 432, C replaced by G.
Protein change: p.Phe144Leu; replaces phenylalanine 144 with leucine.
Molecular consequence: missense variant.
Genome position (GRCh38, 1-based): chr3:50,394,142, G>C on the plus strand (C>G on the coding strand, the complement: CACNA2D2 is on the minus strand). VCF-style: chr3-50394142-G-C. GRCh37 (hg19) VCF-style: chr3-50431573-G-C.
Other names: c.432C>G, p.Phe144Leu (NM_001005505.3, NM_001174051.3); c.225C>G, p.Phe75Leu (NM_001291101.1); c.432C>G (NM_001174051.1); short protein forms F144L, F75L.
Identifiers: ClinVar variation 957777 (VCV000957777.8), dbSNP rs1416473841, ClinGen allele CA352948631.